The following is an entry in ClinVar:

NM_021098.3(CACNA1H):c.2907+1G>A

Gene: CACNA1H (calcium voltage-gated channel subunit alpha1 H; plus strand). Cytogenetic location: 16p13.3.
Variant type: single nucleotide variant.
Coding change: c.2907+1G>A on transcript NM_021098.3 (MANE Select); the canonical splice donor site of the intron after coding-DNA position 2907, G replaced by A.
Molecular consequence: splice donor variant.
Genome position (GRCh38, 1-based): chr16:1,207,119, G>A. VCF-style: chr16-1207119-G-A. GRCh37 (hg19) VCF-style: chr16-1257119-G-A.
Other names: c.2907+1G>A (NM_001005407.2).
Identifiers: ClinVar variation 3573599 (VCV003573599.1).

ClinVar aggregate classification (germline): Uncertain significance (1 of 4 stars; one submission).

Submission:

GeneDx
Classification: Uncertain significance. Last evaluated: 2024-07-19. Review status: criteria provided, single submitter. Criteria: GeneDx Variant Classification Process June 2021. Collection method: clinical testing. Allele origin: germline. Affected: yes.
Comment: De novo variant with confirmed parentage in a patient with autism, speech delay, ADHD, and macrocrania; however, this patient also harbors variants in the RELN gene and a 10q26.2 multi-gene copy number variant (PMID: 31696658); RNA studies demonstrate a damaging effect: predicted to introduce 52 amino acids in-frame in the pore forming region of the channel (PMID: 35668055); In silico analysis supports a deleterious effect on splicing; Not observed at significant frequency in large population cohorts (gnomAD); This variant is associated with the following publications: (PMID: 31696658, 35668055)